The following is an entry in ClinVar:

NM_013275.6(ANKRD11):c.6624_6625del (p.Glu2210fs)

Gene: ANKRD11 (ankyrin repeat domain 11; minus strand). Cytogenetic location: 16q24.3.
Variant type: Deletion.
Coding change: c.6624_6625del on transcript NM_013275.6 (MANE Select); coding-DNA positions 6624 to 6625, 2 bases deleted (AG; older notation c.6624_6625delAG).
Protein change: p.Glu2210fs; shifts the reading frame from glutamic acid 2210.
Molecular consequence: frameshift variant.
Genome position (GRCh38, 1-based): chr16:89,279,917-89,279,918, CT deleted on the plus strand (AG on the coding strand, the reverse complement: ANKRD11 is on the minus strand). VCF-style (leftmost placement, unchanged base first): chr16-89279916-CCT-C. GRCh37 (hg19) VCF-style: chr16-89346324-CCT-C.
Other names: c.6624_6625del, p.Glu2210fs (NM_001256182.2, NM_001256183.2); c.6624_6625delAG (NM_013275.5); short protein forms E2210fs.
Identifiers: ClinVar variation 545919 (VCV000545919.10), dbSNP rs1555525517, ClinGen allele CA658824191.

ClinVar aggregate classification (germline): Pathogenic. Review status: criteria provided, multiple submitters, no conflicts (2 of 4 stars). 3 submissions from 3 submitters: Pathogenic (3). Last evaluated 2025-12-18.

Conditions:
KBG syndrome (KBGS). Also called: ANKRD11-Related KBG Syndrome. Identifiers: Orphanet 2332, MedGen C0220687, MONDO:0007846, OMIM 148050.

Submissions (3):

Variantyx, Inc.
Classification: Pathogenic for KBG syndrome. Last evaluated: 2025-12-18. Review status: criteria provided, single submitter. Criteria: Variantyx Assertion Criteria 2022. Collection method: clinical testing. Allele origin: de novo. Inheritance: Autosomal dominant inheritance. Affected: yes.
Comment: This is a frameshift variant in the ANKRD11 gene (OMIM: 611192). Pathogenic variants in this gene have been associated with autosomal dominant KBG syndrome. This variant introduces a premature termination codon in exon 9 out of 13 and is expected to result in loss of function, which is a known disease mechanism for ANKRD11 in this disorder (PMID: 35330407) (PVS1). This variant is absent from control populations (PM2). Based on the current evidence, this variant is classified as pathogenic for autosomal dominant KBG syndrome.

Victorian Clinical Genetics Services, Murdoch Childrens Research Institute
Classification: Pathogenic for KBG syndrome. Last evaluated: 2024-10-11. Review status: criteria provided, single submitter. Criteria: ACMG Guidelines, 2015. Collection method: clinical testing. Allele origin: germline. Inheritance: Autosomal dominant inheritance. Affected: yes.
Comment: Based on the classification scheme VCGS_Germline_v1.3.5, this variant is classified as Pathogenic. Following criteria are met: 0102 - Loss of function is a known mechanism of disease in this gene and is associated with KBG syndrome (MIM#148050). (I) 0107 - This gene is associated with autosomal dominant disease. (I) 0115 - Variants in this gene are known to have variable expressivity. Intra-familial variability has been reported (PMID: 29258554). (I) 0201 - Variant is predicted to cause nonsense-mediated decay (NMD) and loss of protein (premature termination codon is located at least 54 nucleotides upstream of the final exon-exon junction). (SP) 0251 - This variant is heterozygous. (I) 0301 - Variant is absent from gnomAD (v2, v3 and v4). (SP) 0701 - Other NMD-predicted variants comparable to the one identified in this case have very strong previous evidence for pathogenicity (ClinVar). (SP) 0803 - This variant has limited previous evidence of pathogenicity in an unrelated individual. This variant has been reported once as pathogenic (ClinVar). (SP) 0905 - No published segregation evidence has been identified for this variant. (I) 1007 - No published functional evidence has been identified for this variant. (I) 1208 - Inheritance information for this variant is not currently available in this individual. (I) Legend: (SP) - Supporting pathogenic, (I) - Information, (SB) - Supporting benign

GeneDx
Classification: Pathogenic. Last evaluated: 2022-11-07. Review status: criteria provided, single submitter. Criteria: GeneDx Variant Classification Process June 2021. Collection method: clinical testing. Allele origin: germline. Affected: yes.
Comment: Frameshift variant predicted to result in protein truncation or nonsense mediated decay in a gene for which loss-of-function is a known mechanism of disease; Not observed in large population cohorts (gnomAD); Has not been previously published as pathogenic or benign to our knowledge

Literature cited by the submitters: PubMed 35861666 (cited by Variantyx, Inc.); PubMed 35330407 (cited by Variantyx, Inc.); PubMed 29258554 (cited by Victorian Clinical Genetics Services, Murdoch Childrens Research Institute).